The following is an entry in ClinVar:

ClinVar aggregate classification (germline): Benign/Likely benign. Review status: criteria provided, multiple submitters, no conflicts (2 of 4 stars). 16 submissions from 10 submitters: Benign (15); Likely benign (1). Last evaluated 2026-02-04.

Conditions:
Basal laminar drusen. Also called: DRUSEN OF BRUCH MEMBRANE; DRUSEN, CUTICULAR; DRUSEN, EARLY ADULT-ONSET, GROUPED. Identifiers: Orphanet 75376, MedGen C0730295, MONDO:0007472, OMIM 126700.
Atypical hemolytic-uremic syndrome. Identifiers: Orphanet 2134, MedGen C2931788, MONDO:0016244.
Age related macular degeneration 4. Identifiers: MedGen C1853147, MONDO:0012540, OMIM 610698.
Factor H deficiency (CFHD). Also called: COMPLEMENT FACTOR H DEFICIENCY; CFH DEFICIENCY. Identifiers: Orphanet 200421, MedGen C0398777, MONDO:0012350, OMIM 609814.
CFH-Related Dense Deposit Disease / Membranoproliferative Glomerulonephritis Type II. Identifiers: MedGen CN071292.
Hemolytic uremic syndrome, atypical, susceptibility to, 1. Also called: AHUS, SUSCEPTIBILITY TO, 1. Identifiers: Orphanet 2134, Orphanet 90038, MedGen C2749604, MONDO:0009335, OMIM 235400. Disease mechanism: Other.

Allele frequency attached by ClinVar (database versions not stated): ESP Exome Variant Server 0.60810; gnomAD 0.61990 and 0.62995; gnomAD exomes 0.63458 and 0.67623; TOPMed 0.64344; ExAC 0.66662; 1000 Genomes Project 30x 0.70784; 1000 Genomes Project 0.71306.
gnomAD v4.1: 1,022,671 of 1,612,176 alleles (63%); highest among the groups gnomAD compares: East Asian, 94%; 328,805 homozygotes.

Submissions (16):

Labcorp Genetics (formerly Invitae), Labcorp
Classification: Benign. Last evaluated: 2026-02-04. Review status: criteria provided, single submitter. Criteria: Invitae Variant Classification Sherloc (09022015). Collection method: clinical testing. Allele origin: germline.

Women's Health and Genetics/Laboratory Corporation of America, LabCorp
Classification: Benign. Last evaluated: 2026-01-21. Review status: criteria provided, single submitter. Criteria: LabCorp Variant Classification Summary - May 2015. Collection method: clinical testing. Allele origin: germline.

Genomenon, Inc
Classification: Benign for Basal laminar drusen; Age related macular degeneration 4; Atypical hemolytic-uremic syndrome; Factor H deficiency. Last evaluated: 2025-10-02. Review status: criteria provided, single submitter. Criteria: Genomenon Sequence Variant Interpretation Standards - Updated. Collection method: curation. Allele origin: germline. Affected: no.
Comment: CFH p.Ala307= (c.921A>C) is a synonymous variant that retains Alanine at residue 307. This variant has been reported in the published literature (PMID:30238151;12960213;31820418;22834933;26376595;31031394;23475501). This variant is present at high allele frequency in population databases. In conclusion, we classify CFH p.Ala307= (c.921A>C) as a benign variant.

Blueprint Genetics
Classification: Likely benign. Last evaluated: 2024-11-26. Review status: criteria provided, single submitter. Criteria: ACMG Guidelines, 2015. Collection method: clinical testing. Allele origin: germline.

Genome Diagnostics Laboratory, The Hospital for Sick Children
Classification: Benign for Atypical hemolytic-uremic syndrome. Last evaluated: 2022-10-05. Review status: criteria provided, single submitter. Criteria: ACMG Guidelines, 2015. Collection method: clinical testing. Allele origin: germline.

Mayo Clinic Laboratories, Mayo Clinic
Classification: Benign. Last evaluated: 2022-09-09. Review status: criteria provided, single submitter. Criteria: ACMG Guidelines, 2015. Collection method: clinical testing. Allele origin: germline. Observed: 2,812 variant alleles.
Comment: BA1

Genome-Nilou Lab
Classification: Benign for Basal laminar drusen. Last evaluated: 2021-07-22. Review status: criteria provided, single submitter. Criteria: ACMG Guidelines, 2015. Collection method: clinical testing. Allele origin: germline. Affected: no.

Genome-Nilou Lab
Classification: Benign for Factor H deficiency. Last evaluated: 2021-07-22. Review status: criteria provided, single submitter. Criteria: ACMG Guidelines, 2015. Collection method: clinical testing. Allele origin: germline. Affected: no.

Genome-Nilou Lab
Classification: Benign for Hemolytic uremic syndrome, atypical, susceptibility to, 1. Last evaluated: 2021-07-22. Review status: criteria provided, single submitter. Criteria: ACMG Guidelines, 2015. Collection method: clinical testing. Allele origin: germline. Affected: no.

Genome-Nilou Lab
Classification: Benign for Age related macular degeneration 4. Last evaluated: 2021-07-22. Review status: criteria provided, single submitter. Criteria: ACMG Guidelines, 2015. Collection method: clinical testing. Allele origin: germline. Affected: no.

GeneDx
Classification: Benign. Last evaluated: 2021-05-04. Review status: criteria provided, single submitter. Criteria: GeneDx Variant Classification Process June 2021. Collection method: clinical testing. Allele origin: germline. Affected: yes.
Comment: This variant is associated with the following publications: (PMID: 18421087, 15870199)

Illumina Laboratory Services, Illumina
Classification: Benign for Membranoproliferative glomerulonephritis with complement factor h deficiency. Last evaluated: 2017-04-27. Review status: criteria provided, single submitter. Criteria: ICSL Variant Classification Criteria 13 December 2019. Collection method: clinical testing. Allele origin: germline.
Comment: This variant was observed as part of a predisposition screen in an ostensibly healthy population. A literature search was performed for the gene, cDNA change, and amino acid change (where applicable). No publications were found based on this search. Allele frequency data from public databases was too high to be consistent with this variant causing disease. Therefore, this variant is classified as benign.

Illumina Laboratory Services, Illumina
Classification: Benign for Age related macular degeneration 4. Last evaluated: 2017-04-27. Review status: criteria provided, single submitter. Criteria: ICSL Variant Classification Criteria 13 December 2019. Collection method: clinical testing. Allele origin: germline.
Comment: the same text as in the submission from Illumina Laboratory Services, Illumina above.

Illumina Laboratory Services, Illumina
Classification: Benign for Basal laminar drusen. Last evaluated: 2017-04-27. Review status: criteria provided, single submitter. Criteria: ICSL Variant Classification Criteria 13 December 2019. Collection method: clinical testing. Allele origin: germline.
Comment: the same text as in the submission from Illumina Laboratory Services, Illumina above.

Illumina Laboratory Services, Illumina
Classification: Benign for Hemolytic uremic syndrome, atypical, susceptibility to, 1. Last evaluated: 2017-04-27. Review status: criteria provided, single submitter. Criteria: ICSL Variant Classification Criteria 13 December 2019. Collection method: clinical testing. Allele origin: germline.
Comment: the same text as in the submission from Illumina Laboratory Services, Illumina above.

Breakthrough Genomics
Classification: Benign. Review status: criteria provided, single submitter. Criteria: ACMG Guidelines, 2015. Collection method: not provided. Allele origin: germline. Inheritance: Autosomal recessive inheritance. Affected: yes.

Literature cited by the submitters: PubMed 30238151 (cited by Genomenon, Inc); PubMed 12960213 (cited by Genomenon, Inc); PubMed 31820418 (cited by Genomenon, Inc); PubMed 22834933 (cited by Genomenon, Inc); PubMed 26376595 (cited by Genomenon, Inc); PubMed 31031394 (cited by Genomenon, Inc); PubMed 23475501 (cited by Genomenon, Inc).

NM_000186.4(CFH):c.921A>C (p.Ala307=)

Gene: CFH (complement factor H; plus strand). Cytogenetic location: 1q31.3.
Variant type: single nucleotide variant.
Coding change: c.921A>C on transcript NM_000186.4 (MANE Select); coding-DNA position 921, A replaced by C.
Protein change: p.Ala307=; no amino-acid change (alanine 307 retained).
Molecular consequence: synonymous variant.
Genome position (GRCh38, 1-based): chr1:196,685,194, A>C. VCF-style: chr1-196685194-A-C. GRCh37 (hg19) VCF-style: chr1-196654324-A-C.
Other names: p.Ala307=; c.921A>C, p.Ala307= (NM_001014975.3).
Identifiers: ClinVar variation 294488 (VCV000294488.24), dbSNP rs1061147, ClinGen allele CA1305200.